The following is an entry in ClinVar:

NM_000317.3(PTS):c.211A>G (p.Met71Val)

Gene: PTS (6-pyruvoyltetrahydropterin synthase; plus strand). Cytogenetic location: 11q23.1.
Variant type: single nucleotide variant.
Coding change: c.211A>G on transcript NM_000317.3 (MANE Select); coding-DNA position 211, A replaced by G.
Protein change: p.Met71Val; replaces methionine 71 with valine.
Molecular consequence: missense variant.
Genome position (GRCh38, 1-based): chr11:112,230,650, A>G. VCF-style: chr11-112230650-A-G. GRCh37 (hg19) VCF-style: chr11-112101373-A-G.
Other names: short protein forms M71V.
Identifiers: ClinVar variation 1020196 (VCV001020196.6), dbSNP rs1296871450, ClinGen allele CA382627662.

ClinVar aggregate classification (germline): Uncertain significance (1 of 4 stars; one submission).

Conditions:
6-Pyruvoyl-tetrahydrobiopterin synthase deficiency. Also called: HYPERPHENYLALANINEMIA, TETRAHYDROBIOPTERIN-DEFICIENT, DUE TO PTS DEFICIENCY; PTS-Related Tetrahydrobiopterin Deficiency; BH4-deficient hyperphenylalaninemia A; 6-Pyruvoyltetrahydropterin Synthase Deficiency; PTS DEFICIENCY; Hyperphenylalanemia, BH4-deficient, A. Identifiers: Orphanet 13, Orphanet 238583, MedGen C0878676, MONDO:0009863, OMIM 261640.

Allele frequency attached by ClinVar (database versions not stated): gnomAD exomes below 0.00001; gnomAD 0.00001; TOPMed 0.00001.
gnomAD v4.1: 2 of 1,611,456 alleles (0.00012%); highest among the groups gnomAD compares: African/African-American, 0.0013%; no homozygotes.

Submission:

Labcorp Genetics (formerly Invitae), Labcorp
Classification: Uncertain significance for 6-Pyruvoyl-tetrahydrobiopterin synthase deficiency. Last evaluated: 2021-09-01. Review status: criteria provided, single submitter. Criteria: Invitae Variant Classification Sherloc (09022015). Collection method: clinical testing. Allele origin: germline.
Comment: This sequence change replaces methionine with valine at codon 71 of the PTS protein (p.Met71Val). The methionine residue is moderately conserved and there is a small physicochemical difference between methionine and valine. This variant is not present in population databases (ExAC no frequency). This variant has not been reported in the literature in individuals affected with PTS-related conditions. Algorithms developed to predict the effect of missense changes on protein structure and function output the following: SIFT: "Tolerated"; PolyPhen-2: "Benign"; Align-GVGD: "Class C0". The valine amino acid residue is found in multiple mammalian species, which suggests that this missense change does not adversely affect protein function. In summary, the available evidence is currently insufficient to determine the role of this variant in disease. Therefore, it has been classified as a Variant of Uncertain Significance.